The following is an entry in ClinVar:

NM_005235.3(ERBB4):c.1565C>T (p.Ser522Leu)

Gene: ERBB4 (erb-b2 receptor tyrosine kinase 4; minus strand). Cytogenetic location: 2q34.
Variant type: single nucleotide variant.
Coding change: c.1565C>T on transcript NM_005235.3 (MANE Select); coding-DNA position 1565, C replaced by T.
Protein change: p.Ser522Leu; replaces serine 522 with leucine.
Molecular consequence: missense variant.
Genome position (GRCh38, 1-based): chr2:211,679,109, G>A on the plus strand (C>T on the coding strand, the complement: ERBB4 is on the minus strand). VCF-style: chr2-211679109-G-A. GRCh37 (hg19) VCF-style: chr2-212543834-G-A.
Other names: c.1565C>T, p.Ser522Leu (NM_001042599.2); short protein forms S522L.
Identifiers: ClinVar variation 3634471 (VCV003634471.2).
Genomic context (GRCh38, chr2:211,679,109, plus strand): 5'-TACCCATCATAGAGGTTACAAGACTCTATGCAGATCCTTCCTCTACTGAAGCGGCGACAC[G>A]ACAGACATTGGTCTGGCCCAGGTCCCCAACAGCCATCACTGGAACACAGATGGTTGCACA-3'
Protein context (NP_005226.1, residues 512-532): CWGPGPDQCL[Ser522Leu]CRRFSRGRIC

ClinVar aggregate classification (germline): Uncertain significance (1 of 4 stars; one submission).

gnomAD v4.1: 20 of 1,613,128 alleles (0.0012%); highest among the groups gnomAD compares: South Asian, 0.0022%; no homozygotes.

Submission:

Labcorp Genetics (formerly Invitae), Labcorp
Classification: Uncertain significance. Last evaluated: 2025-01-19. Review status: criteria provided, single submitter. Criteria: Invitae Variant Classification Sherloc (09022015). Collection method: clinical testing. Allele origin: germline.
Comment: This sequence change replaces serine, which is neutral and polar, with leucine, which is neutral and non-polar, at codon 522 of the ERBB4 protein (p.Ser522Leu). The frequency data for this variant in the population databases is considered unreliable, as metrics indicate poor data quality at this position in the gnomAD database. This variant has not been reported in the literature in individuals affected with ERBB4-related conditions. Invitae Evidence Modeling of protein sequence and biophysical properties (such as structural, functional, and spatial information, amino acid conservation, physicochemical variation, residue mobility, and thermodynamic stability) indicates that this missense variant is not expected to disrupt ERBB4 protein function with a negative predictive value of 80%. In summary, the available evidence is currently insufficient to determine the role of this variant in disease. Therefore, it has been classified as a Variant of Uncertain Significance.